The following is an entry in ClinVar:

NM_001008537.3(NEXMIF):c.1288G>A (p.Ala430Thr)

Gene: NEXMIF (neurite extension and migration factor; minus strand). Cytogenetic location: Xq13.3.
Variant type: single nucleotide variant.
Coding change: c.1288G>A on transcript NM_001008537.3 (MANE Select); coding-DNA position 1288, G replaced by A.
Protein change: p.Ala430Thr; replaces alanine 430 with threonine.
Molecular consequence: missense variant.
Genome position (GRCh38, 1-based): chrX:74,743,269, C>T on the plus strand (G>A on the coding strand, the complement: NEXMIF is on the minus strand). VCF-style: chrX-74743269-C-T. GRCh37 (hg19) VCF-style: chrX-73963104-C-T.
Other names: c.1288G>A (NM_001008537.1); short protein forms A430T.
Identifiers: ClinVar variation 1060174 (VCV001060174.10), dbSNP rs1179610634, ClinGen allele CA413670852.
Genomic context (GRCh38, chrX:74,743,269, plus strand): 5'-ATGAGATCTCAATGAAGGAACTATCATCACTGAAACTCCCTGATGTCTCCAGGGAATTAG[C>T]AAGATGGCCCTGCTTTGGATTCTTAAGTTGCTCTACTTCAGTCCCACTGCATGGTTTATT-3'
Protein context (NP_001008537.1, residues 420-440): QLKNPKQGHL[Ala430Thr]NSLETSGSFS

ClinVar aggregate classification (germline): Uncertain significance. Review status: criteria provided, multiple submitters, no conflicts (2 of 4 stars). 2 submissions from 2 submitters: Uncertain significance (2). Last evaluated 2024-08-13.

Allele frequency attached by ClinVar (database versions not stated): gnomAD exomes below 0.00001; gnomAD 0.00001; TOPMed 0.00001.
gnomAD v4.1: 2 of 1,209,685 alleles (0.00017%); highest among the groups gnomAD compares: African/African-American, 0.0018%; no homozygotes.

Submissions (2):

GeneDx
Classification: Uncertain significance. Last evaluated: 2024-08-13. Review status: criteria provided, single submitter. Criteria: GeneDx Variant Classification Process June 2021. Collection method: clinical testing. Allele origin: germline. Affected: yes.
Comment: Not observed at significant frequency in large population cohorts (gnomAD); In silico analysis indicates that this missense variant does not alter protein structure/function; Has not been previously published as pathogenic or benign to our knowledge

Labcorp Genetics (formerly Invitae), Labcorp
Classification: Uncertain significance. Last evaluated: 2023-03-27. Review status: criteria provided, single submitter. Criteria: Invitae Variant Classification Sherloc (09022015). Collection method: clinical testing. Allele origin: germline.
Comment: Algorithms developed to predict the effect of missense changes on protein structure and function output the following: SIFT: "Not Available"; PolyPhen-2: "Benign"; Align-GVGD: "Not Available". The threonine amino acid residue is found in multiple mammalian species, which suggests that this missense change does not adversely affect protein function. In summary, the available evidence is currently insufficient to determine the role of this variant in disease. Therefore, it has been classified as a Variant of Uncertain Significance. ClinVar contains an entry for this variant (Variation ID: 1060174). This variant has not been reported in the literature in individuals affected with NEXMIF-related conditions. This variant is not present in population databases (gnomAD no frequency). This sequence change replaces alanine, which is neutral and non-polar, with threonine, which is neutral and polar, at codon 430 of the NEXMIF protein (p.Ala430Thr).